The following is an entry in ClinVar:

ClinVar aggregate classification (germline): Pathogenic (1 of 4 stars; one submission).

Conditions:
Retinoblastoma (RB1). Also called: RETINOBLASTOMA, SOMATIC. Identifiers: Orphanet 790, MedGen C0035335, MeSH D012175, MONDO:0008380, OMIM 180200, HP:0009919. Disease mechanism: loss of function. Inheritance: Both sporadic and heritable forms are tested..

Submission:

Genetics Program, Instituto Nacional de Cancer
Classification: Pathogenic for Retinoblastoma. Last evaluated: 2020-08-20. Review status: criteria provided, single submitter. Criteria: ACMG Guidelines, 2015. Collection method: research. Allele origin: somatic. Affected: yes. Observed: 1 variant allele.
Comment: Gene panel by NGS. Nonsense variant. Found in one tumor, allele frequency =0.224. Confirmed by AS-PCR.

NM_000321.3(RB1):c.1901C>G (p.Ser634Ter)

Gene: RB1 (RB transcriptional corepressor 1; plus strand). Cytogenetic location: 13q14.2.
Variant type: single nucleotide variant.
Coding change: c.1901C>G on transcript NM_000321.3 (MANE Select); coding-DNA position 1901, C replaced by G.
Protein change: p.Ser634Ter; replaces serine 634 with a stop codon.
Molecular consequence: nonsense.
Genome position (GRCh38, 1-based): chr13:48,456,290, C>G. VCF-style: chr13-48456290-C-G. GRCh37 (hg19) VCF-style: chr13-49030426-C-G.
Other names: short protein forms S634*.
Identifiers: ClinVar variation 995860 (VCV000995860.2), dbSNP rs1949359603, ClinGen allele CA388166060.